The following is an entry in ClinVar:

NM_004782.4(SNAP29):c.140A>C (p.Gln47Pro)

Gene: SNAP29 (synaptosome associated protein 29; plus strand). Cytogenetic location: 22q11.21.
Variant type: single nucleotide variant.
Coding change: c.140A>C on transcript NM_004782.4 (MANE Select); coding-DNA position 140, A replaced by C.
Protein change: p.Gln47Pro; replaces glutamine 47 with proline.
Molecular consequence: missense variant.
Genome position (GRCh38, 1-based): chr22:20,859,250, A>C. VCF-style: chr22-20859250-A-C. GRCh37 (hg19) VCF-style: chr22-21213538-A-C.
Other names: c.140A>C (NM_004782.3); short protein forms Q47P.
Identifiers: ClinVar variation 2388769 (VCV002388769.7), dbSNP rs779076266, ClinGen allele CA10117023.

ClinVar aggregate classification (germline): Uncertain significance. Review status: criteria provided, multiple submitters, no conflicts (2 of 4 stars). 2 submissions from 2 submitters: Uncertain significance (2). Last evaluated 2024-10-22.

Conditions:
Inborn genetic diseases. Identifiers: MedGen C0950123, MeSH D030342.

Allele frequency attached by ClinVar (database versions not stated): ExAC 0.00003; TOPMed 0.00005.
gnomAD v4.1: 19 of 1,605,822 alleles (0.0012%); highest among the groups gnomAD compares: Admixed American, 0.031%; no homozygotes.

Submissions (2):

Labcorp Genetics (formerly Invitae), Labcorp
Classification: Uncertain significance. Last evaluated: 2024-10-22. Review status: criteria provided, single submitter. Criteria: Invitae Variant Classification Sherloc (09022015). Collection method: clinical testing. Allele origin: germline.
Comment: This sequence change replaces glutamine, which is neutral and polar, with proline, which is neutral and non-polar, at codon 47 of the SNAP29 protein (p.Gln47Pro). This variant is present in population databases (rs779076266, gnomAD 0.05%). This variant has not been reported in the literature in individuals affected with SNAP29-related conditions. ClinVar contains an entry for this variant (Variation ID: 2388769). Invitae Evidence Modeling of protein sequence and biophysical properties (such as structural, functional, and spatial information, amino acid conservation, physicochemical variation, residue mobility, and thermodynamic stability) indicates that this missense variant is expected to disrupt SNAP29 protein function with a positive predictive value of 80%. In summary, the available evidence is currently insufficient to determine the role of this variant in disease. Therefore, it has been classified as a Variant of Uncertain Significance.

Ambry Genetics
Classification: Uncertain significance for Inborn genetic diseases. Last evaluated: 2022-07-27. Review status: criteria provided, single submitter. Criteria: Ambry Variant Classification Scheme 2023. Collection method: clinical testing. Allele origin: germline.